The following is an entry in ClinVar:

NM_000388.4(CASR):c.570_592del (p.Glu191fs)

Gene: CASR (calcium sensing receptor; plus strand). Cytogenetic location: 3q21.1.
Variant type: Deletion.
Coding change: c.570_592del on transcript NM_000388.4 (MANE Select); coding-DNA positions 570 to 592, 23 bases deleted (TGAGCACCAGGCCACTGCCATGG).
Protein change: p.Glu191fs; shifts the reading frame from glutamic acid 191.
Molecular consequence: frameshift variant.
Genome position (GRCh38, 1-based): chr3:122,261,605-122,261,627, TGAGCACCAGGCCACTGCCATGG deleted. VCF-style (leftmost placement, unchanged base first): chr3-122261604-ATGAGCACCAGGCCACTGCCATGG-A. GRCh37 (hg19) VCF-style: chr3-121980451-ATGAGCACCAGGCCACTGCCATGG-A.
Other names: c.570_592del, p.Glu191fs (NM_001178065.2); short protein forms E191fs.
Identifiers: ClinVar variation 4784137 (VCV004784137.1).

ClinVar aggregate classification (germline): Pathogenic (1 of 4 stars; one submission).

Conditions:
Familial hypocalciuric hypercalcemia (FHH). Also called: Familial benign hypercalcemia. Identifiers: Orphanet 405, MedGen C1809471, MONDO:0018458.
Autosomal dominant hypocalcemia 1 (HYPOC1). Also called: HYPOCALCEMIA, FAMILIAL. Identifiers: MedGen C3715128, MONDO:0011013, OMIM 601198.

Submission:

Labcorp Genetics (formerly Invitae), Labcorp
Classification: Pathogenic for Familial hypocalciuric hypercalcemia; Autosomal dominant hypocalcemia 1. Last evaluated: 2025-02-12. Review status: criteria provided, single submitter. Criteria: Invitae Variant Classification Sherloc (09022015). Collection method: clinical testing. Allele origin: germline.
Comment: This sequence change creates a premature translational stop signal (p.Glu191Argfs*17) in the CASR gene. It is expected to result in an absent or disrupted protein product. Loss-of-function variants in CASR are known to be pathogenic (PMID: 11807402, 14985373, 22422767). This variant is not present in population databases (gnomAD no frequency). This variant has not been reported in the literature in individuals affected with CASR-related conditions. For these reasons, this variant has been classified as Pathogenic.

Literature cited by the submitters: PubMed 11807402; PubMed 14985373; PubMed 22422767.